The following is an entry in ClinVar:

NM_000642.3(AGL):c.1715G>A (p.Gly572Asp)

Gene: AGL (amylo-alpha-1,6-glucosidase and 4-alpha-glucanotransferase; plus strand). Cytogenetic location: 1p21.2.
Variant type: single nucleotide variant.
Coding change: c.1715G>A on transcript NM_000642.3 (MANE Select); coding-DNA position 1715, G replaced by A.
Protein change: p.Gly572Asp; replaces glycine 572 with aspartic acid.
Molecular consequence: missense variant.
Genome position (GRCh38, 1-based): chr1:99,880,026, G>A. VCF-style: chr1-99880026-G-A. GRCh37 (hg19) VCF-style: chr1-100345582-G-A.
Other names: c.1715G>A, p.Gly572Asp (NM_000028.3, NM_000643.3, NM_000644.3 and 2 more transcripts); c.1667G>A, p.Gly556Asp (NM_000646.3); c.1514G>A, p.Gly505Asp (NM_001425327.1); c.1511G>A, p.Gly504Asp (NM_001425328.1, NM_001425329.1); c.1337G>A, p.Gly446Asp (NM_001425332.1); short protein forms G556D, G572D, G446D, G504D, G505D.
Identifiers: ClinVar variation 1381355 (VCV001381355.6), dbSNP rs1651880309, ClinGen allele CA341315858.

ClinVar aggregate classification (germline): Uncertain significance (1 of 4 stars; one submission).

Conditions:
Glycogen storage disease type III (GSD3). Also called: Cori disease; FORBES DISEASE. Identifiers: Orphanet 366, MedGen C0017922, MONDO:0009291, OMIM 232400.

Submission:

Labcorp Genetics (formerly Invitae), Labcorp
Classification: Uncertain significance for Glycogen storage disease type III. Last evaluated: 2025-11-17. Review status: criteria provided, single submitter. Criteria: Invitae Variant Classification Sherloc (09022015). Collection method: clinical testing. Allele origin: germline.
Comment: This sequence change replaces glycine, which is neutral and non-polar, with aspartic acid, which is acidic and polar, at codon 572 of the AGL protein (p.Gly572Asp). This variant is not present in population databases (gnomAD no frequency). This variant has not been reported in the literature in individuals affected with AGL-related conditions. ClinVar contains an entry for this variant (Variation ID: 1381355). Invitae Evidence Modeling of protein sequence and biophysical properties (such as structural, functional, and spatial information, amino acid conservation, physicochemical variation, residue mobility, and thermodynamic stability) indicates that this missense variant is expected to disrupt AGL protein function with a positive predictive value of 80%. In summary, the available evidence is currently insufficient to determine the role of this variant in disease. Therefore, it has been classified as a Variant of Uncertain Significance.